The following is an entry in ClinVar:

ClinVar aggregate classification (germline): Pathogenic (1 of 4 stars; one submission).

Conditions:
Tuberous sclerosis 2 (TSC2). Identifiers: Orphanet 805, MedGen C1860707, MONDO:0013199, OMIM 613254.

Submission:

3billion
Classification: Pathogenic for Tuberous sclerosis 2. Last evaluated: 2024-11-11. Review status: criteria provided, single submitter. Criteria: ACMG Guidelines, 2015. Collection method: clinical testing. Allele origin: germline. Affected: yes.
Comment: The variant is not observed in the gnomAD v4.1.0 dataset. Predicted Consequence/Location: Canonical splice site: predicted to alter splicing and result in a loss or disruption of normal protein function. Multiple pathogenic loss-of-function variants are reported downstream of the variant. The variant has been reported to be associated with TSC2 related disorder (PMID: 32313033). Therefore, this variant is classified as Pathogenic according to the recommendation of ACMG/AMP guideline.

Literature cited by the submitters: PubMed 32313033.

NM_000548.5(TSC2):c.4849+2_4849+11del

Gene: TSC2 (TSC complex subunit 2; plus strand). Cytogenetic location: 16p13.3.
Variant type: Deletion.
Coding change: c.4849+2_4849+11del on transcript NM_000548.5 (MANE Select); the canonical splice donor site of the intron after coding-DNA position 4849 through 11 bases into the intron after coding-DNA position 4849, 10 bases deleted (TACGGCCTGG; older notation c.4849+2_4849+11delTACGGCCTGG).
Molecular consequence: splice donor variant.
Genome position (GRCh38, 1-based): chr16:2,086,381-2,086,390, TACGGCCTGG deleted; deleting any 10 consecutive bases within chr16:2,086,379-2,086,390 gives the same sequence; the c. name uses the placement nearest the transcript's 3' end. VCF-style (leftmost placement, unchanged base first): chr16-2086378-AGGTACGGCCT-A. GRCh37 (hg19) VCF-style: chr16-2136379-AGGTACGGCCT-A.
Other names: c.3307+2_3307+11del (NM_001406693.1, NM_001406692.1, NM_001406694.1); c.4741+2_4741+11del (NM_001406667.1); c.4738+2_4738+11del (NM_001406668.1); c.4249+2_4249+11del (NM_001406680.1); c.4180+2_4180+11del (NM_001406683.1, NM_001406682.1); c.4048+2_4048+11del (NM_001406687.1, NM_001406688.1); c.3436+2_3436+11del (NM_001406689.1); c.3376+2_3376+11del (NM_001406690.1); and 26 more.
Identifiers: ClinVar variation 4293876 (VCV004293876.1).
Genomic context (GRCh38, chr16:2,086,378, plus strand): 5'-CCTGGACGTGTGTGGTGAGGACGGCCAGTTCACCTACTGCTGGCACGATGACATCATGCA[AGGTACGGCCT>A]GGCGCCTACCCGCTCCTGCTGCCCCAGGCCTCAGGGCACGGCTCCCATCCAGTCCTGCTA-3'